The following is an entry in ClinVar:

ClinVar aggregate classification (germline): Uncertain significance. Review status: criteria provided, multiple submitters, no conflicts (2 of 4 stars). 3 submissions from 3 submitters: Uncertain significance (3). Last evaluated 2024-11-09.

Conditions:
Inborn genetic diseases. Identifiers: MedGen C0950123, MeSH D030342.

Allele frequency attached by ClinVar (database versions not stated): gnomAD exomes 0.00001 and 0.00003; ExAC 0.00004; ESP Exome Variant Server 0.00008; gnomAD 0.00015 and 0.00018; TOPMed 0.00016.

Submissions (3):

Ambry Genetics
Classification: Uncertain significance for Inborn genetic diseases. Last evaluated: 2024-11-09. Review status: criteria provided, single submitter. Criteria: Ambry Variant Classification Scheme 2023. Collection method: clinical testing. Allele origin: germline.

Labcorp Genetics (formerly Invitae), Labcorp
Classification: Uncertain significance. Last evaluated: 2022-08-16. Review status: criteria provided, single submitter. Criteria: Invitae Variant Classification Sherloc (09022015). Collection method: clinical testing. Allele origin: germline.
Comment: This sequence change replaces alanine, which is neutral and non-polar, with serine, which is neutral and polar, at codon 74 of the GPAA1 protein (p.Ala74Ser). This variant is present in population databases (rs369294562, gnomAD 0.04%). This variant has not been reported in the literature in individuals affected with GPAA1-related conditions. ClinVar contains an entry for this variant (Variation ID: 1473457). Algorithms developed to predict the effect of missense changes on protein structure and function (SIFT, PolyPhen-2, Align-GVGD) all suggest that this variant is likely to be tolerated. In summary, the available evidence is currently insufficient to determine the role of this variant in disease. Therefore, it has been classified as a Variant of Uncertain Significance.

Blueprint Genetics
Classification: Uncertain significance. Last evaluated: 2021-11-10. Review status: criteria provided, single submitter. Criteria: ACMG Guidelines, 2015. Collection method: clinical testing. Allele origin: germline.

NM_003801.4(GPAA1):c.220G>T (p.Ala74Ser)

Gene: GPAA1 (glycosylphosphatidylinositol anchor attachment 1; plus strand). Cytogenetic location: 8q24.3.
Variant type: single nucleotide variant.
Coding change: c.220G>T on transcript NM_003801.4 (MANE Select); coding-DNA position 220, G replaced by T.
Protein change: p.Ala74Ser; replaces alanine 74 with serine.
Molecular consequence: missense variant.
Genome position (GRCh38, 1-based): chr8:144,083,269, G>T. VCF-style: chr8-144083269-G-T. GRCh37 (hg19) VCF-style: chr8-145138172-G-T.
Other names: c.220G>T (NM_003801.3); short protein forms A74S.
Identifiers: ClinVar variation 1473457 (VCV001473457.5), dbSNP rs369294562, ClinGen allele CA4932735.